The following is an entry in ClinVar:

NM_000288.4(PEX7):c.126C>T (p.Ile42=)

Gene: PEX7 (peroxisomal biogenesis factor 7; plus strand). Cytogenetic location: 6q23.3.
Variant type: single nucleotide variant.
Coding change: c.126C>T on transcript NM_000288.4 (MANE Select); coding-DNA position 126, C replaced by T.
Protein change: p.Ile42=; no amino-acid change (isoleucine 42 retained).
Molecular consequence: synonymous variant.
Genome position (GRCh38, 1-based): chr6:136,822,791, C>T. VCF-style: chr6-136822791-C-T. GRCh37 (hg19) VCF-style: chr6-137143929-C-T.
Other names: c.126C>T (NM_000288.3).
Identifiers: ClinVar variation 500471 (VCV000500471.14), dbSNP rs1464741803, ClinGen allele CA452374740.

ClinVar aggregate classification (germline): Conflicting classifications of pathogenicity. Review status: criteria provided, conflicting classifications (1 of 4 stars). 3 submissions from 3 submitters: Uncertain significance (1); Likely benign (2). Last evaluated 2025-08-23.

Conditions:
PEX7-related disorder. Also called: PEX7-related disorders; PEX7-related condition. Identifiers: MedGen CN239409.
Peroxisome biogenesis disorder 9B. Also called: PEX7-Related Refsum Disease; PEROXISOME BIOGENESIS DISORDER, PEX7-RELATED, ATYPICAL; Refsum disease, adult, 2. Identifiers: Orphanet 773, MedGen C2749346, MONDO:0013945, OMIM 614879.

Allele frequency attached by ClinVar (database versions not stated): gnomAD exomes below 0.00001 and 0.00006; TOPMed 0.00002.
gnomAD v4.1: 3 of 1,332,996 alleles (0.00023%); highest among the groups gnomAD compares: Admixed American, 0.0076%; no homozygotes.

Submissions (3):

Labcorp Genetics (formerly Invitae), Labcorp
Classification: Likely benign for Peroxisome biogenesis disorder 9B. Last evaluated: 2025-08-23. Review status: criteria provided, single submitter. Criteria: Invitae Variant Classification Sherloc (09022015). Collection method: clinical testing. Allele origin: germline.

PreventionGenetics, part of Exact Sciences
Classification: Likely benign for PEX7-related condition. Last evaluated: 2025-04-16. Review status: criteria provided, single submitter. Criteria: ACMG Guidelines, 2015. Collection method: clinical testing. Allele origin: germline.
Comment: This variant is classified as likely benign based on ACMG/AMP sequence variant interpretation guidelines (Richards et al. 2015 PMID: 25741868, with internal and published modifications).

Eurofins Ntd Llc (ga)
Classification: Uncertain significance. Last evaluated: 2018-05-08. Review status: criteria provided, single submitter. Criteria: EGL ClinVar v180209 classification definitions. Collection method: clinical testing. Allele origin: germline. Observed: 2 variant alleles, 2 heterozygotes.